The following is an entry in ClinVar:

ClinVar aggregate classification (germline): Benign. Review status: criteria provided, multiple submitters, no conflicts (2 of 4 stars). 3 submissions from 3 submitters: Benign (3). Last evaluated 2026-02-02.

Conditions:
Hereditary acrodermatitis enteropathica (AEZ). Also called: Acrodermatitis enteropathica. Identifiers: Orphanet 37, MedGen C0221036, MONDO:0008713, OMIM 201100.

Allele frequency attached by ClinVar (database versions not stated): gnomAD exomes 0.00079; gnomAD 0.00768 and 0.00808; TOPMed 0.00924; 1000 Genomes Project 30x 0.01031.

Submissions (3):

Labcorp Genetics (formerly Invitae), Labcorp
Classification: Benign. Last evaluated: 2026-02-02. Review status: criteria provided, single submitter. Criteria: Invitae Variant Classification Sherloc (09022015). Collection method: clinical testing. Allele origin: germline.

Illumina Laboratory Services, Illumina
Classification: Benign for Hereditary acrodermatitis enteropathica. Last evaluated: 2018-01-12. Review status: criteria provided, single submitter. Criteria: ICSL Variant Classification Criteria 13 December 2019. Collection method: clinical testing. Allele origin: germline.
Comment: This variant was observed in the ICSL laboratory as part of a predisposition screen in an ostensibly healthy population. It had not been previously curated by ICSL or reported in the Human Gene Mutation Database (HGMD: prior to June 1st, 2018), and was therefore a candidate for classification through an automated scoring system. Utilizing variant allele frequency, disease prevalence and penetrance estimates, and inheritance mode, an automated score was calculated to assess if this variant is too frequent to cause the disease. Based on the score and internal cut-off values, a variant classified as benign is not then subjected to further curation. The score for this variant resulted in a classification of benign for this disease.

Breakthrough Genomics
Classification: Benign. Review status: criteria provided, single submitter. Criteria: ACMG Guidelines, 2015. Collection method: not provided. Allele origin: germline. Inheritance: Autosomal recessive inheritance. Affected: yes.

NM_130849.4(SLC39A4):c.473= (p.Met158=)

Gene: SLC39A4 (solute carrier family 39 member 4; minus strand). Cytogenetic location: 8q24.3.
Variant type: single nucleotide variant.
Coding change: c.473= on transcript NM_130849.4 (MANE Select); coding-DNA position 473, no change from the reference sequence.
Protein change: p.Met158=; no amino-acid change (methionine 158 retained).
Molecular consequence: no sequence alteration.
Genome position: GRCh38 VCF-style: chr8-144415811-A-A. GRCh37 (hg19) VCF-style: chr8-145641195-G-A.
Other names: c.398=, p.Met133= (NM_017767.3).
Identifiers: ClinVar variation 362257 (VCV000362257.15), dbSNP rs1871533.
Genomic context (GRCh38, chr8:144,415,811, plus strand): 5'-CCCATGGGCCGTGGGACCCTCCTCACCCACTCCCCTGGTCTGCCTGGACTCTCCCTCACC[A=]TCTTGGGGGTCTGGCCGGCAGCCCGGGCCTGCATCCTCTGCAGCAGCCAGCTCAGGCCCG-3'
Protein context (NP_570901.3, residues 148-168): QARAAGQTPK[Met158=]ACVDIPQLLE